The following is an entry in ClinVar:

NM_007055.4(POLR3A):c.1729G>A (p.Glu577Lys)

Gene: POLR3A (RNA polymerase III subunit A; minus strand). Cytogenetic location: 10q22.3.
Variant type: single nucleotide variant.
Coding change: c.1729G>A on transcript NM_007055.4 (MANE Select); coding-DNA position 1729, G replaced by A.
Protein change: p.Glu577Lys; replaces glutamic acid 577 with lysine.
Molecular consequence: missense variant.
Genome position (GRCh38, 1-based): chr10:78,009,905, C>T on the plus strand (G>A on the coding strand, the complement: POLR3A is on the minus strand). VCF-style: chr10-78009905-C-T. GRCh37 (hg19) VCF-style: chr10-79769663-C-T.
Other names: p.Glu577Lys; c.1729G>A (NM_007055.3); short protein forms E577K.
Identifiers: ClinVar variation 1143246 (VCV001143246.33), dbSNP rs151084236, ClinGen allele CA5571353.
Genomic context (GRCh38, chr10:78,009,905, plus strand): 5'-ACACAACTCCCACACACACCTTTAGGATTGTAGGCGGTGGGAGGCGAACTTTAATTTTCT[C>T]ATCCTTGCCAACCAGTATTGAAGCAATGATTTGGCAAGCCTTGGCTCGATCAAAGAAAGT-3'
Protein context (NP_008986.2, residues 567-587): IIASILVGKD[Glu577Lys]KIKVRLPPPT

ClinVar aggregate classification (germline): Conflicting classifications of pathogenicity. Review status: criteria provided, conflicting classifications (1 of 4 stars). 5 submissions from 5 submitters: Uncertain significance (3); Likely benign (1). 1 of the submissions does not count toward it. Last evaluated 2026-07-01.

Conditions:
POLR3A-related disorder. Also called: POLR3A-related condition; POLR3A-related disorders. Identifiers: MedGen CN378587, MONDO:0700276.

Allele frequency attached by ClinVar (database versions not stated): ESP Exome Variant Server 0.00015; TOPMed 0.00017; gnomAD 0.00031 and 0.00033; gnomAD exomes 0.00035 and 0.00049; ExAC 0.00050.
gnomAD v4.1: 550 of 1,614,014 alleles (0.034%); highest among the groups gnomAD compares: Non-Finnish European, 0.034%; 1 homozygote.

Submissions (5):

CeGaT Center for Human Genetics Tuebingen
Classification: Uncertain significance. Last evaluated: 2026-07-01. Review status: criteria provided, single submitter. Criteria: CeGaT Center For Human Genetics Tuebingen Variant Classification Criteria Version 2. Collection method: clinical testing. Allele origin: germline. Affected: yes. Observed: 3 variant alleles.

Labcorp Genetics (formerly Invitae), Labcorp
Classification: Likely benign. Last evaluated: 2025-11-19. Review status: criteria provided, single submitter. Criteria: Invitae Variant Classification Sherloc (09022015). Collection method: clinical testing. Allele origin: germline.

Blueprint Genetics
Classification: Uncertain significance. Last evaluated: 2024-10-28. Review status: criteria provided, single submitter. Criteria: ACMG Guidelines, 2015. Collection method: clinical testing. Allele origin: germline.

Mayo Clinic Laboratories, Mayo Clinic
Classification: Uncertain significance. Last evaluated: 2024-10-15. Review status: criteria provided, single submitter. Criteria: ACMG Guidelines, 2015. Collection method: clinical testing. Allele origin: germline. Observed: 1 variant allele.

PreventionGenetics, part of Exact Sciences
Classification: Likely benign for POLR3A-related condition. Last evaluated: 2022-04-28. Review status: no assertion criteria provided. Collection method: clinical testing. Allele origin: germline. Not counted in ClinVar's aggregate classification.
Comment: This variant is classified as likely benign based on ACMG/AMP sequence variant interpretation guidelines (Richards et al. 2015 PMID: 25741868, with internal and published modifications).